The following is an entry in ClinVar:

ClinVar aggregate classification (germline): Likely benign. Review status: criteria provided, single submitter (1 of 4 stars). 2 submissions from 2 submitters: Likely benign (1). 1 of the submissions does not count toward it. Last evaluated 2025-06-30.

Conditions:
PHIP-related disorder. Also called: PHIP-related disorders; PHIP-related condition.

Allele frequency attached by ClinVar (database versions not stated): ExAC 0.00001; gnomAD exomes 0.00002; TOPMed 0.00004.
gnomAD v4.1: 25 of 1,614,010 alleles (0.0015%); highest among the groups gnomAD compares: Non-Finnish European, 0.0019%; no homozygotes.

Submissions (2):

Labcorp Genetics (formerly Invitae), Labcorp
Classification: Likely benign. Last evaluated: 2025-06-30. Review status: criteria provided, single submitter. Criteria: Invitae Variant Classification Sherloc (09022015). Collection method: clinical testing. Allele origin: germline.

PreventionGenetics, part of Exact Sciences
Classification: Likely benign for PHIP-related condition. Last evaluated: 2022-11-15. Review status: no assertion criteria provided. Collection method: clinical testing. Allele origin: germline. Not counted in ClinVar's aggregate classification.
Comment: This variant is classified as likely benign based on ACMG/AMP sequence variant interpretation guidelines (Richards et al. 2015 PMID: 25741868, with internal and published modifications).

NM_017934.7(PHIP):c.2067A>G (p.Leu689=)

Gene: PHIP (PHIP subunit of CUL4-Ring ligase complex; minus strand). Cytogenetic location: 6q14.1.
Variant type: single nucleotide variant.
Coding change: c.2067A>G on transcript NM_017934.7 (MANE Select); coding-DNA position 2067, A replaced by G.
Protein change: p.Leu689=; no amino-acid change (leucine 689 retained).
Molecular consequence: synonymous variant.
Genome position (GRCh38, 1-based): chr6:78,997,548, T>C on the plus strand (A>G on the coding strand, the complement: PHIP is on the minus strand). VCF-style: chr6-78997548-T-C. GRCh37 (hg19) VCF-style: chr6-79707265-T-C.
Identifiers: ClinVar variation 3046129 (VCV003046129.4), dbSNP rs774857898, ClinGen allele CA3900033.